The following is an entry in ClinVar:

NM_000038.6(APC):c.4957A>G (p.Thr1653Ala)

Gene: APC (APC regulator of Wnt signaling pathway; plus strand). Cytogenetic location: 5q22.2.
Variant type: single nucleotide variant.
Coding change: c.4957A>G on transcript NM_000038.6 (MANE Select); coding-DNA position 4957, A replaced by G.
Protein change: p.Thr1653Ala; replaces threonine 1653 with alanine.
Molecular consequence: missense variant. On other transcripts: non-coding transcript variant (2).
Genome position (GRCh38, 1-based): chr5:112,840,551, A>G. VCF-style: chr5-112840551-A-G. GRCh37 (hg19) VCF-style: chr5-112176248-A-G.
Other names: c.4987A>G, p.Thr1663Ala (NM_001354897.2); c.4882A>G, p.Thr1628Ala (NM_001354898.2); c.4873A>G, p.Thr1625Ala (NM_001354899.2); c.4834A>G, p.Thr1612Ala (NM_001354900.2); c.4780A>G, p.Thr1594Ala (NM_001354901.2, NM_001407453.1); c.4684A>G, p.Thr1562Ala (NM_001354902.2); c.4654A>G, p.Thr1552Ala (NM_001354903.2, NM_001407458.1, NM_001407459.1 and 1 more transcripts); c.4579A>G, p.Thr1527Ala (NM_001354904.2); and 11 more; short protein forms T1370A, T1524A, T1562A, T1612A, T1653A, T1663A, T1269A, T1493A.
Identifiers: ClinVar variation 3635477 (VCV003635477.2).

ClinVar aggregate classification (germline): Uncertain significance (1 of 4 stars; one submission).

Conditions:
Familial adenomatous polyposis 1 (FAP1). Also called: FAMILIAL ADENOMATOUS POLYPOSIS 1, ATTENUATED; POLYPOSIS, ADENOMATOUS INTESTINAL. Identifiers: MedGen C2713442, MONDO:0021056, OMIM 175100. Disease mechanism: loss of function.

Submission:

Labcorp Genetics (formerly Invitae), Labcorp
Classification: Uncertain significance for Familial adenomatous polyposis 1. Last evaluated: 2024-12-12. Review status: criteria provided, single submitter. Criteria: Invitae Variant Classification Sherloc (09022015). Collection method: clinical testing. Allele origin: germline.
Comment: This sequence change replaces threonine, which is neutral and polar, with alanine, which is neutral and non-polar, at codon 1653 of the APC protein (p.Thr1653Ala). This variant is not present in population databases (gnomAD no frequency). This variant has not been reported in the literature in individuals affected with APC-related conditions. Invitae Evidence Modeling of protein sequence and biophysical properties (such as structural, functional, and spatial information, amino acid conservation, physicochemical variation, residue mobility, and thermodynamic stability) indicates that this missense variant is not expected to disrupt APC protein function with a negative predictive value of 95%. In summary, the available evidence is currently insufficient to determine the role of this variant in disease. Therefore, it has been classified as a Variant of Uncertain Significance.